The following is an entry in ClinVar:

NM_006662.3(SRCAP):c.7384G>C (p.Val2462Leu)

Gene: SRCAP (Snf2 related CREBBP activator protein; plus strand). Cytogenetic location: 16p11.2.
Variant type: single nucleotide variant.
Coding change: c.7384G>C on transcript NM_006662.3 (MANE Select); coding-DNA position 7384, G replaced by C.
Protein change: p.Val2462Leu; replaces valine 2462 with leucine.
Molecular consequence: missense variant.
Genome position (GRCh38, 1-based): chr16:30,737,424, G>C. VCF-style: chr16-30737424-G-C. GRCh37 (hg19) VCF-style: chr16-30748745-G-C.
Other names: short protein forms V2462L.
Identifiers: ClinVar variation 4278595 (VCV004278595.2).

ClinVar aggregate classification (germline): Uncertain significance (1 of 4 stars; one submission).

Submission:

GeneDx
Classification: Uncertain significance. Last evaluated: 2026-08-24. Review status: criteria provided, single submitter. Criteria: GeneDx Variant Classification Process June 2021. Collection method: clinical testing. Allele origin: germline.
Comment: Not observed at significant frequency in large population cohorts (gnomAD); In silico analysis suggests that this missense variant does not alter protein structure/function; Has not been previously published as pathogenic or benign to our knowledge